The following is an entry in ClinVar:

NM_000432.4(MYL2):c.170-153A>G

Gene: MYL2 (myosin light chain 2; minus strand). Cytogenetic location: 12q24.11.
Variant type: single nucleotide variant.
Coding change: c.170-153A>G on transcript NM_000432.4 (MANE Select); 153 bases into the intron before coding-DNA position 170, A replaced by G.
Molecular consequence: intron variant.
Genome position (GRCh38, 1-based): chr12:110,914,443, T>C on the plus strand (A>G on the coding strand, the complement: MYL2 is on the minus strand). VCF-style: chr12-110914443-T-C. GRCh37 (hg19) VCF-style: chr12-111352247-T-C.
Identifiers: ClinVar variation 675462 (VCV000675462.2), dbSNP rs76474479, ClinGen allele CA243562464.
Genomic context (GRCh38, chr12:110,914,443, plus strand): 5'-ATCTAGTCTAGAAATCATCAGAGATGGGGTGGATGGAGGCAAAGATCTTTTCTGAGAAGA[T>C]GTTCTTGACAGTGTTATTTATAATAACCAAATGACTGGAAGCGACCCTAACATCTGATGT-3'

ClinVar aggregate classification (germline): Likely benign. Review status: criteria provided, multiple submitters, no conflicts (2 of 4 stars). 2 submissions from 2 submitters: Likely benign (2). Last evaluated 2018-06-19.

Allele frequency attached by ClinVar (database versions not stated): gnomAD exomes 0.00134; gnomAD 0.01131 and 0.01224; 1000 Genomes Project 0.01258; TOPMed 0.01302; 1000 Genomes Project 30x 0.01437.
gnomAD v4.1: 2,495 of 697,164 alleles (0.36%); highest among the groups gnomAD compares: African/African-American, 3.9%; 41 homozygotes.

Submissions (2):

GeneDx
Classification: Likely benign. Last evaluated: 2018-06-19. Review status: criteria provided, single submitter. Criteria: GeneDx Variant Classification (06012015). Collection method: clinical testing. Allele origin: germline. Affected: yes.
Comment: This variant is considered likely benign or benign based on one or more of the following criteria: it is a conservative change, it occurs at a poorly conserved position in the protein, it is predicted to be benign by multiple in silico algorithms, and/or has population frequency not consistent with disease.

Breakthrough Genomics
Classification: Likely benign. Review status: criteria provided, single submitter. Criteria: ACMG Guidelines, 2015. Collection method: not provided. Allele origin: germline. Inheritance: Autosomal recessive inheritance. Affected: yes.